The following is an entry in ClinVar:

NM_001127496.3(SPRY4):c.653C>A (p.Ser218Tyr)

Gene: SPRY4 (sprouty RTK signaling antagonist 4; minus strand). Cytogenetic location: 5q31.3.
Variant type: single nucleotide variant.
Coding change: c.653C>A on transcript NM_001127496.3 (MANE Select); coding-DNA position 653, C replaced by A.
Protein change: p.Ser218Tyr; replaces serine 218 with tyrosine.
Molecular consequence: missense variant.
Genome position (GRCh38, 1-based): chr5:142,314,456, G>T on the plus strand (C>A on the coding strand, the complement: SPRY4 is on the minus strand). VCF-style: chr5-142314456-G-T. GRCh37 (hg19) VCF-style: chr5-141694021-G-T.
Other names: SPRY4, SER241TYR (rs139512218); c.653C>A, p.Ser218Tyr (NM_001293289.3, NM_001293290.3); c.722C>A, p.Ser241Tyr (NM_030964.5); short protein forms S241Y, S218Y.
Identifiers: ClinVar variation 50874 (VCV000050874.40), dbSNP rs139512218, ClinGen allele CA143835.

ClinVar aggregate classification (germline): Conflicting classifications of pathogenicity. Review status: criteria provided, conflicting classifications (1 of 4 stars). 6 submissions from 6 submitters: Uncertain significance (1); Likely benign (3). 2 of the submissions do not count toward it. Last evaluated 2026-03-01.

Conditions:
Hypogonadotropic hypogonadism 17 with or without anosmia (HH17). Also called: HYPOGONADOTROPIC HYPOGONADISM 17 WITH ANOSMIA; HYPOGONADOTROPIC HYPOGONADISM 17 WITHOUT ANOSMIA; HYPOGONADOTROPIC HYPOGONADISM 17 WITH OR WITHOUT ANOSMIA, SUSCEPTIBILITY TO. Identifiers: Orphanet 478, MedGen C3808971, MONDO:0014102, OMIM 615266.
Amenorrhea. Identifiers: MedGen C0002453, MONDO:0001836, HP:0000141.

Allele frequency attached by ClinVar (database versions not stated): 1000 Genomes Project 30x 0.00219; gnomAD exomes 0.00656 and 0.00446; 1000 Genomes Project 0.00240; TOPMed 0.00401; ESP Exome Variant Server 0.00431; ExAC 0.00458; gnomAD 0.00510.
gnomAD v4.1: 10,089 of 1,614,168 alleles (0.63%); highest among the groups gnomAD compares: Non-Finnish European, 0.75%; 37 homozygotes.

Submissions (6):

CeGaT Center for Human Genetics Tuebingen
Classification: Likely benign. Last evaluated: 2026-03-01. Review status: criteria provided, single submitter. Criteria: CeGaT Center For Human Genetics Tuebingen Variant Classification Criteria Version 2. Collection method: clinical testing. Allele origin: germline. Affected: yes. Observed: 6 variant alleles.
Comment: SPRY4: BS2

Labcorp Genetics (formerly Invitae), Labcorp
Classification: Likely benign. Last evaluated: 2026-01-12. Review status: criteria provided, single submitter. Criteria: Invitae Variant Classification Sherloc (09022015). Collection method: clinical testing. Allele origin: germline.

GeneDx
Classification: Likely benign. Last evaluated: 2020-08-26. Review status: criteria provided, single submitter. Criteria: GeneDx Variant Classification Process June 2021. Collection method: clinical testing. Allele origin: germline. Affected: yes.
Comment: In silico analysis, which includes protein predictors and evolutionary conservation, supports a deleterious effect; This variant is associated with the following publications: (PMID: 31726455, 23643382)

Laboratory for Molecular Medicine, Mass General Brigham Personalized Medicine
Classification: Uncertain significance. Last evaluated: 2016-03-29. Review status: criteria provided, single submitter. Criteria: LMM Criteria. Collection method: clinical testing. Allele origin: germline.
Comment: Variant identified in a genome or exome case(s) and assessed due to predicted null impact of the variant or pathogenic assertions in the literature or databases. Disclaimer: This variant has not undergone full assessment. The following are preliminary notes: Frequency in individuals with Kallman syndrome and controls was the same (Miraoui 2013).

Yale Center for Mendelian Genomics, Yale University
Classification: Uncertain significance for Amenorrhea. Last evaluated: 2021-03-08. Review status: no assertion criteria provided. Collection method: literature only. Allele origin: unknown. Affected: yes. Observed: 2 heterozygotes. Study: Yale Center for Mendelian Genomics. Not counted in ClinVar's aggregate classification.

OMIM
Classification: risk factor for HYPOGONADOTROPIC HYPOGONADISM 17 WITH OR WITHOUT ANOSMIA, SUSCEPTIBILITY TO. Last evaluated: 2013-05-02. Review status: no assertion criteria provided. Collection method: literature only. Allele origin: germline. Not counted in ClinVar's aggregate classification.

Literature cited by the submitters: PubMed 32870266 (cited by Yale Center for Mendelian Genomics, Yale University); PubMed 23643382 (cited by OMIM).